The following is an entry in ClinVar:

NM_032638.5(GATA2):c.898G>T (p.Ala300Ser)

Gene: GATA2 (GATA binding protein 2; minus strand). Cytogenetic location: 3q21.3.
Variant type: single nucleotide variant.
Coding change: c.898G>T on transcript NM_032638.5 (MANE Select); coding-DNA position 898, G replaced by T.
Protein change: p.Ala300Ser; replaces alanine 300 with serine.
Molecular consequence: missense variant.
Genome position (GRCh38, 1-based): chr3:128,483,979, C>A on the plus strand (G>T on the coding strand, the complement: GATA2 is on the minus strand). VCF-style: chr3-128483979-C-A. GRCh37 (hg19) VCF-style: chr3-128202822-C-A.
Other names: c.898G>T, p.Ala300Ser (NM_001145661.2, NM_001145662.1); short protein forms A300S.
Identifiers: ClinVar variation 4789522 (VCV004789522.2).

ClinVar aggregate classification (germline): Uncertain significance. Review status: criteria provided, multiple submitters, no conflicts (2 of 4 stars). 2 submissions from 2 submitters: Uncertain significance (2). Last evaluated 2026-04-14.

Conditions:
Monocytopenia with susceptibility to infections. Also called: MONOCYTOPENIA AND MYCOBACTERIAL INFECTION SYNDROME; MONOCYTOPENIA WITH SUSCEPTIBILITY TO MYCOBACTERIAL, FUNGAL, AND PAPILLOMAVIRUS INFECTIONS AND MYELODYSPLASIA; COMBINED IMMUNODEFICIENCY WITH SUSCEPTIBILITY TO MYCOBACTERIAL, VIRAL, AND FUNGAL INFECTIONS; Dendritic cell, monocyte, B lymphocyte, and natural killer lymphocyte deficiency; IMMUNODEFICIENCY 21; GATA2 DEFICIENCY. Identifiers: Orphanet 228423, MedGen C3280030, MONDO:0013607, OMIM 614172.
Deafness-lymphedema-leukemia syndrome. Also called: Emberger syndrome; Lymphedema, primary, with myelodysplasia. Identifiers: Orphanet 3226, MedGen C3279664, MONDO:0013540, OMIM 614038.
Inborn genetic diseases. Identifiers: MedGen C0950123, MeSH D030342.

Submissions (2):

Ambry Genetics
Classification: Uncertain significance for Inborn genetic diseases. Last evaluated: 2026-04-14. Review status: criteria provided, single submitter. Criteria: Ambry Variant Classification Scheme 2023. Collection method: clinical testing. Allele origin: germline.
Comment: The p.A300S variant (also known as c.898G>T), located in coding exon 3 of the GATA2 gene, results from a G to T substitution at nucleotide position 898. The alanine at codon 300 is replaced by serine, an amino acid with similar properties. This amino acid position is highly conserved in available vertebrate species. In addition, this alteration is predicted to be deleterious by in silico analysis. Based on the available evidence, the clinical significance of this variant remains unclear.

Labcorp Genetics (formerly Invitae), Labcorp
Classification: Uncertain significance for Monocytopenia with susceptibility to infections; Deafness-lymphedema-leukemia syndrome. Last evaluated: 2025-09-19. Review status: criteria provided, single submitter. Criteria: Invitae Variant Classification Sherloc (09022015). Collection method: clinical testing. Allele origin: germline.
Comment: This sequence change replaces alanine, which is neutral and non-polar, with serine, which is neutral and polar, at codon 300 of the GATA2 protein (p.Ala300Ser). This variant is not present in population databases (gnomAD no frequency). This variant has not been reported in the literature in individuals affected with GATA2-related conditions. Invitae Evidence Modeling of protein sequence and biophysical properties (such as structural, functional, and spatial information, amino acid conservation, physicochemical variation, residue mobility, and thermodynamic stability) has been performed for this missense variant. However, the output from this modeling did not meet the statistical confidence thresholds required to predict the impact of this variant on GATA2 protein function. In summary, the available evidence is currently insufficient to determine the role of this variant in disease. Therefore, it has been classified as a Variant of Uncertain Significance.